The following is an entry in ClinVar:

NM_053025.4(MYLK):c.4289-2dup

Gene: MYLK (myosin light chain kinase; minus strand). Cytogenetic location: 3q21.1.
Variant type: Duplication.
Coding change: c.4289-2dup on transcript NM_053025.4 (MANE Select); the canonical splice acceptor site of the intron before coding-DNA position 4289, one base duplicated (A; older notation c.4289-2dupA).
Molecular consequence: splice acceptor variant.
Genome position (GRCh38, 1-based): chr3:123,649,196, T duplicated on the plus strand (A on the coding strand, the reverse complement: MYLK is on the minus strand). VCF-style (leftmost placement, unchanged base first): chr3-123649195-C-CT. GRCh37 (hg19) VCF-style: chr3-123368042-C-CT.
Other names: c.3761-2dup (NM_001321309.2); c.4082-2dup (NM_053028.4, NM_053026.4); c.4289-2dup (NM_053027.4).
Identifiers: ClinVar variation 2911577 (VCV002911577.3), dbSNP rs1330908233, ClinGen allele CA898214123.
Genomic context (GRCh38, chr3:123,649,195, plus strand): 5'-TGACCCGAAGACAGGGGCTGCACTCACCATCATCTGACACCTCCACTTCATCCTTCGGCT[C>CT]TGGGGGGGGCACAAGGAAGGACAGAGAGGACACAGGTGATTAGTACTGAAGGCCCACTGA-3'

ClinVar aggregate classification (germline): Uncertain significance (1 of 4 stars; one submission).

Conditions:
Aortic aneurysm, familial thoracic 7 (AAT7). Also called: AORTIC DISSECTION, FAMILIAL, WITH OR WITHOUT AORTIC ANEURYSM. Identifiers: MedGen C3151077, MONDO:0013418, OMIM 613780.

Allele frequency attached by ClinVar (database versions not stated): gnomAD exomes below 0.00001; TOPMed 0.00002.

Submission:

Labcorp Genetics (formerly Invitae), Labcorp
Classification: Uncertain significance for Aortic aneurysm, familial thoracic 7. Last evaluated: 2025-07-27. Review status: criteria provided, single submitter. Criteria: Invitae Variant Classification Sherloc (09022015). Collection method: clinical testing. Allele origin: germline.
Comment: This sequence change falls in intron 24 of the MYLK gene. It does not directly change the encoded amino acid sequence of the MYLK protein. It affects a nucleotide within the consensus splice site. This variant is not present in population databases (gnomAD no frequency). This variant has not been reported in the literature in individuals affected with MYLK-related conditions. ClinVar contains an entry for this variant (Variation ID: 2911577). Variants that disrupt the consensus splice site are a relatively common cause of aberrant splicing (PMID: 17576681, 9536098). In summary, the available evidence is currently insufficient to determine the role of this variant in disease. Therefore, it has been classified as a Variant of Uncertain Significance.

Literature cited by the submitters: PubMed 17576681; PubMed 9536098.